The following is an entry in ClinVar:

ClinVar aggregate classification (germline): Uncertain significance (1 of 4 stars; one submission).

Allele frequency attached by ClinVar (database versions not stated): gnomAD exomes below 0.00001.
gnomAD v4.1: 1 of 1,588,814 alleles (0.000063%); highest among the groups gnomAD compares: Non-Finnish European, 0.000086%; no homozygotes.

Submission:

Labcorp Genetics (formerly Invitae), Labcorp
Classification: Uncertain significance. Last evaluated: 2021-06-07. Review status: criteria provided, single submitter. Criteria: Invitae Variant Classification Sherloc (09022015). Collection method: clinical testing. Allele origin: germline.
Comment: This sequence change replaces glycine with alanine at codon 2482 of the FAT4 protein (p.Gly2482Ala). The glycine residue is highly conserved and there is a small physicochemical difference between glycine and alanine. This variant is not present in population databases (ExAC no frequency). This variant has not been reported in the literature in individuals with FAT4-related conditions. Algorithms developed to predict the effect of missense changes on protein structure and function (SIFT, PolyPhen-2, Align-GVGD) all suggest that this variant is likely to be disruptive, but these predictions have not been confirmed by published functional studies and their clinical significance is uncertain. Algorithms developed to predict the effect of sequence changes on RNA splicing suggest that this variant may disrupt the consensus splice site, but this prediction has not been confirmed by published transcriptional studies. In summary, the available evidence is currently insufficient to determine the role of this variant in disease. Therefore, it has been classified as a Variant of Uncertain Significance.

NM_001291303.3(FAT4):c.7451G>C (p.Gly2484Ala)

Gene: FAT4 (FAT atypical cadherin 4; plus strand). Cytogenetic location: 4q28.1.
Variant type: single nucleotide variant.
Coding change: c.7451G>C on transcript NM_001291303.3 (MANE Select); coding-DNA position 7451, G replaced by C.
Protein change: p.Gly2484Ala; replaces glycine 2484 with alanine.
Molecular consequence: missense variant.
Genome position (GRCh38, 1-based): chr4:125,448,461, G>C. VCF-style: chr4-125448461-G-C. GRCh37 (hg19) VCF-style: chr4-126369616-G-C.
Other names: c.7451G>C, p.Gly2484Ala (NM_001291285.3); c.7445G>C, p.Gly2482Ala (NM_024582.6); short protein forms G2482A, G2484A.
Identifiers: ClinVar variation 1472271 (VCV001472271.8), dbSNP rs2126056595, ClinGen allele CA358140060.